The following is an entry in ClinVar:

NM_014991.6(WDFY3):c.6761A>T (p.His2254Leu)

Gene: WDFY3 (WD repeat and FYVE domain containing 3; minus strand). Cytogenetic location: 4q21.23.
Variant type: single nucleotide variant.
Coding change: c.6761A>T on transcript NM_014991.6 (MANE Select); coding-DNA position 6761, A replaced by T.
Protein change: p.His2254Leu; replaces histidine 2254 with leucine.
Molecular consequence: missense variant.
Genome position (GRCh38, 1-based): chr4:84,736,324, T>A on the plus strand (A>T on the coding strand, the complement: WDFY3 is on the minus strand). VCF-style: chr4-84736324-T-A. GRCh37 (hg19) VCF-style: chr4-85657477-T-A.
Other names: short protein forms H2254L.
Identifiers: ClinVar variation 2499860 (VCV002499860.1), dbSNP rs2149193709, ClinGen allele CA357551676.

ClinVar aggregate classification (germline): Uncertain significance (1 of 4 stars; one submission).

Submission:

GeneDx
Classification: Uncertain significance. Last evaluated: 2022-10-20. Review status: criteria provided, single submitter. Criteria: GeneDx Variant Classification Process June 2021. Collection method: clinical testing. Allele origin: germline. Affected: yes.
Comment: Not observed at significant frequency in large population cohorts (gnomAD); In silico analysis supports that this missense variant does not alter protein structure/function; Has not been previously published as pathogenic or benign to our knowledge